The following is an entry in ClinVar:

NM_147127.5(EVC2):c.2993A>T (p.Glu998Val)

Gene: EVC2 (EvC ciliary complex subunit 2; minus strand). Cytogenetic location: 4p16.2.
Variant type: single nucleotide variant.
Coding change: c.2993A>T on transcript NM_147127.5 (MANE Select); coding-DNA position 2993, A replaced by T.
Protein change: p.Glu998Val; replaces glutamic acid 998 with valine.
Molecular consequence: missense variant.
Genome position (GRCh38, 1-based): chr4:5,584,687, T>A on the plus strand (A>T on the coding strand, the complement: EVC2 is on the minus strand). VCF-style: chr4-5584687-T-A. GRCh37 (hg19) VCF-style: chr4-5586414-T-A.
Other names: c.2753A>T, p.Glu918Val (NM_001166136.2); short protein forms E998V, E918V.
Identifiers: ClinVar variation 2154840 (VCV002154840.3), dbSNP rs1206851175, ClinGen allele CA356153932.

ClinVar aggregate classification (germline): Uncertain significance (1 of 4 stars; one submission).

Conditions:
Ellis-van Creveld syndrome (EVC). Also called: MESOECTODERMAL DYSPLASIA; Chondroectodermal dysplasia; EVC-Related Ellis-van Creveld Syndrome; EVC2-Related Ellis-van Creveld Syndrome. Identifiers: Orphanet 289, MedGen C0013903, MONDO:0009162, OMIM 225500.
Curry-Hall syndrome (WAD). Also called: WEYERS ACRODENTAL DYSOSTOSIS. Identifiers: Orphanet 952, MedGen C0457013, MONDO:0008673, OMIM 193530.

Allele frequency attached by ClinVar (database versions not stated): gnomAD exomes below 0.00001; TOPMed 0.00002.
gnomAD v4.1: 6 of 1,614,056 alleles (0.00037%); highest among the groups gnomAD compares: Admixed American, 0.0083%; no homozygotes.

Submission:

Labcorp Genetics (formerly Invitae), Labcorp
Classification: Uncertain significance for Curry-Hall syndrome; Ellis-van Creveld syndrome. Last evaluated: 2024-03-14. Review status: criteria provided, single submitter. Criteria: Invitae Variant Classification Sherloc (09022015). Collection method: clinical testing. Allele origin: germline.
Comment: This sequence change replaces glutamic acid, which is acidic and polar, with valine, which is neutral and non-polar, at codon 998 of the EVC2 protein (p.Glu998Val). This variant is not present in population databases (gnomAD no frequency). This variant has not been reported in the literature in individuals affected with EVC2-related conditions. ClinVar contains an entry for this variant (Variation ID: 2154840). An algorithm developed to predict the effect of missense changes on protein structure and function (PolyPhen-2) suggests that this variant is likely to be disruptive. In summary, the available evidence is currently insufficient to determine the role of this variant in disease. Therefore, it has been classified as a Variant of Uncertain Significance.